The following is an entry in ClinVar:

ClinVar aggregate classification (germline): Conflicting classifications of pathogenicity. Review status: criteria provided, conflicting classifications (1 of 4 stars). 9 submissions from 9 submitters: Pathogenic (1); Likely pathogenic (6); Uncertain significance (1). 1 of the submissions does not count toward it. Last evaluated 2025-09-08.

Conditions:
Wilson disease (WND). Also called: Wilson's disease. Identifiers: Orphanet 905, MedGen C0019202, MONDO:0010200, OMIM 277900. Disease mechanism: loss of function.

Allele frequency attached by ClinVar (database versions not stated): ExAC 0.00001; gnomAD 0.00001; TOPMed 0.00001; gnomAD exomes 0.00002.
gnomAD v4.1: 7 of 1,613,976 alleles (0.00043%); highest among the groups gnomAD compares: East Asian, 0.0067%; no homozygotes.

Submissions (9):

Labcorp Genetics (formerly Invitae), Labcorp
Classification: Likely pathogenic for Wilson disease. Last evaluated: 2025-09-08. Review status: criteria provided, single submitter. Criteria: Invitae Variant Classification Sherloc (09022015). Collection method: clinical testing. Allele origin: germline.
Comment: This sequence change replaces glutamic acid, which is acidic and polar, with lysine, which is basic and polar, at codon 1293 of the ATP7B protein (p.Glu1293Lys). This variant is present in population databases (rs776300396, gnomAD 0.02%). This missense change has been observed in individual(s) with Wilson disease (PMID: 22484412, 22745856, 25982861, 31172689, 34470610, 35220961; internal data). In at least one individual the data is consistent with being in trans (on the opposite chromosome) from a pathogenic variant. ClinVar contains an entry for this variant (Variation ID: 553585). Invitae Evidence Modeling of protein sequence and biophysical properties (such as structural, functional, and spatial information, amino acid conservation, physicochemical variation, residue mobility, and thermodynamic stability) indicates that this missense variant is expected to disrupt ATP7B protein function with a positive predictive value of 80%. In summary, the currently available evidence indicates that the variant is pathogenic, but additional data are needed to prove that conclusively. Therefore, this variant has been classified as Likely Pathogenic.

Natera, Inc.
Classification: Likely pathogenic for Wilson disease. Last evaluated: 2025-03-05. Review status: criteria provided, single submitter. Criteria: Natera Variant Classification Schema (03/2026). Collection method: clinical testing. Allele origin: germline.
Comment: The c.3877G>A variant in ATP7B is a missense variant predicted to cause substitution of glutamic acid to lysine at amino acid 1293. This variant is rare in the general population with a frequency below the threshold expected for the associated phenotype(s). This variant has been observed in one or more individuals affected with the associated recessive disease, as either homozygous or compound heterozygous with a second variant (PMID: 35220961, 22745856). Computational prediction algorithms indicate this variant is likely to affect gene or protein function. Given the available evidence, this variant is classified as Likely Pathogenic.

Baylor Genetics
Classification: Likely pathogenic for Wilson disease. Last evaluated: 2023-12-04. Review status: criteria provided, single submitter. Criteria: ACMG Guidelines, 2015. Collection method: clinical testing. Allele origin: unknown.

Mayo Clinic Laboratories, Mayo Clinic
Classification: Likely pathogenic. Last evaluated: 2023-11-20. Review status: criteria provided, single submitter. Criteria: ACMG Guidelines, 2015. Collection method: clinical testing. Allele origin: germline.
Comment: PP3, PP4, PM2, PM3, PS4_moderate

Women's Health and Genetics/Laboratory Corporation of America, LabCorp
Classification: Likely pathogenic for Wilson disease. Last evaluated: 2023-08-21. Review status: criteria provided, single submitter. Criteria: LabCorp Variant Classification Summary - May 2015. Collection method: clinical testing. Allele origin: germline.
Comment: Variant summary: ATP7B c.3877G>A (p.Glu1293Lys) results in a conservative amino acid change located in the P-type ATPase, haloacid dehalogenase domain (IPR044492) of the encoded protein sequence. Four of five in-silico tools predict a damaging effect of the variant on protein function. The variant allele was found at a frequency of 2e-05 in 249510 control chromosomes (i.e., 5 heterozygotes; gnomAD v2.1, Exomes dataset). The available data on variant occurrences in the general population are insufficient to allow any conclusion about variant significance. c.3877G>A has been reported in the literature in individuals affected with Wilson Disease (e.g., Cho_2011, Dong_2016, Guggilla_2015, Lepori_2012, Li_2019, Li_2021, Zhang_2022). These data indicate that the variant is likely be associated with disease. To our knowledge, no experimental evidence demonstrating an impact on protein function has been reported. The following publications have been ascertained in the context of this evaluation (PMID: 22745856, 27022412, 25982861, 22484412, 34470610, 31172689, 35220961). Five submitters have reported clinical-significance assessments for this variant to ClinVar after 2014. Multiple submitters reported the variant with conflicting assessments (likely pathogenic, n = 2; VUS, n = 2; pathogenic, n = 1). Based on the evidence outlined above, the variant was classified as likely pathogenic.

All of Us Research Program, National Institutes of Health
Classification: Uncertain significance for Wilson disease. Last evaluated: 2023-08-15. Review status: criteria provided, single submitter. Criteria: ACMG Guidelines, 2015. Collection method: clinical testing. Allele origin: germline. Inheritance: Autosomal recessive inheritance. Observed: 3 variant alleles, 3 heterozygotes.
Comment: This missense variant replaces glutamic acid with lysine at codon 1293 of the ATP7B protein. Computational prediction suggests that this variant may have deleterious impact on protein structure and function (internally defined REVEL score threshold >= 0.7, PMID: 27666373). To our knowledge, functional studies have not been reported for this variant. This variant has been observed in individuals affected with autosomal recessive Wilson disease (PMID: 22745856, 25982861, 27022412, 34470610). This variant has been identified in 6/280894 chromosomes in the general population by the Genome Aggregation Database (gnomAD). The available evidence is insufficient to determine the role of this variant in disease conclusively. Therefore, this variant is classified as a Variant of Uncertain Significance.

This study involves interpretation of variants in research participants for the purpose of population health screening. Participant phenotype was not available at the time of variant classification. Additional details can be found in publication PMID: 35346344, PMCID: PMC8962531

Genome-Nilou Lab
Classification: Likely pathogenic for Wilson disease. Last evaluated: 2021-08-10. Review status: criteria provided, single submitter. Criteria: ACMG Guidelines, 2015. Collection method: clinical testing. Allele origin: germline. Affected: no.

CeGaT Center for Human Genetics Tuebingen
Classification: Pathogenic. Last evaluated: 2021-06-01. Review status: criteria provided, single submitter. Criteria: CeGaT Center For Human Genetics Tuebingen Variant Classification Criteria Version 2. Collection method: clinical testing. Allele origin: germline. Affected: yes. Observed: 1 variant allele.

Counsyl
Classification: Uncertain significance for Wilson disease. Last evaluated: 2017-08-30. Review status: no assertion criteria provided. Collection method: clinical testing. Allele origin: unknown. Not counted in ClinVar's aggregate classification.

Literature cited by the submitters: PubMed 22484412 (cited by 4 submitters); PubMed 22745856 (cited by 6 submitters); PubMed 25982861 (cited by 5 submitters); PubMed 31172689 (cited by 3 submitters); PubMed 34470610 (cited by 4 submitters); PubMed 35220961 (cited by 4 submitters); PubMed 27022412 (cited by 4 submitters); PubMed 30275481 (cited by Mayo Clinic Laboratories, Mayo Clinic).

NM_000053.4(ATP7B):c.3877G>A (p.Glu1293Lys)

Gene: ATP7B (ATPase copper transporting beta; minus strand). Cytogenetic location: 13q14.3.
Variant type: single nucleotide variant.
Coding change: c.3877G>A on transcript NM_000053.4 (MANE Select); coding-DNA position 3877, G replaced by A.
Protein change: p.Glu1293Lys; replaces glutamic acid 1293 with lysine.
Molecular consequence: missense variant.
Genome position (GRCh38, 1-based): chr13:51,937,502, C>T on the plus strand (G>A on the coding strand, the complement: ATP7B is on the minus strand). VCF-style: chr13-51937502-C-T. GRCh37 (hg19) VCF-style: chr13-52511638-C-T.
Other names: p.Glu1293Lys; c.3256G>A, p.Glu1086Lys (NM_001005918.3); c.3544G>A, p.Glu1182Lys (NM_001243182.2); c.3643G>A, p.Glu1215Lys (NM_001330578.2); c.3625G>A, p.Glu1209Lys (NM_001330579.2); short protein forms E1293K, E1182K, E1086K, E1209K, E1215K.
Identifiers: ClinVar variation 553585 (VCV000553585.52), dbSNP rs776300396, ClinGen allele CA6988552.